The following is an entry in ClinVar:

ClinVar aggregate classification (germline): Uncertain significance (1 of 4 stars; one submission).

Conditions:
Hereditary sensory and autonomic neuropathy type 6. Also called: Neuropathy, hereditary sensory and autonomic, type VI; HSAN VI. Identifiers: Orphanet 314381, MedGen C3539003, MONDO:0013839, OMIM 614653.
Epidermolysis bullosa simplex 3, localized or generalized intermediate, with BP230 deficiency (EBS3). Also called: Epidermolysis bullosa simplex due to BP230 deficiency; Epidermolysis bullosa simplex, autosomal recessive 2. Identifiers: Orphanet 412181, MedGen C3809470, MONDO:0014180, OMIM 615425.

Submission:

Labcorp Genetics (formerly Invitae), Labcorp
Classification: Uncertain significance for Epidermolysis bullosa simplex 3, localized or generalized intermediate, with BP230 deficiency; Hereditary sensory and autonomic neuropathy type 6. Last evaluated: 2022-04-01. Review status: criteria provided, single submitter. Criteria: Invitae Variant Classification Sherloc (09022015). Collection method: clinical testing. Allele origin: germline.
Comment: This variant has not been reported in the literature in individuals affected with DST-related conditions. In summary, the available evidence is currently insufficient to determine the role of this variant in disease. Therefore, it has been classified as a Variant of Uncertain Significance. Algorithms developed to predict the effect of missense changes on protein structure and function (SIFT, PolyPhen-2, Align-GVGD) all suggest that this variant is likely to be tolerated. This variant is not present in population databases (gnomAD no frequency). This sequence change replaces lysine, which is basic and polar, with glutamine, which is neutral and polar, at codon 1227 of the DST protein (p.Lys1227Gln).

NM_001723.7(DST):c.3679A>C (p.Lys1227Gln)

Gene: DST (dystonin; minus strand). Cytogenetic location: 6p12.1.
Variant type: single nucleotide variant.
Coding change: c.3679A>C on transcript NM_001723.7 (MANE Plus Clinical); coding-DNA position 3679, A replaced by C.
Protein change: p.Lys1227Gln; replaces lysine 1227 with glutamine.
Molecular consequence: missense variant. On other transcripts: intron variant (10).
Genome position (GRCh38, 1-based): chr6:56,620,355, T>G on the plus strand (A>C on the coding strand, the complement: DST is on the minus strand). VCF-style: chr6-56620355-T-G. GRCh37 (hg19) VCF-style: chr6-56485153-T-G.
Other names: c.4830+4175A>C (NM_001144769.5); c.4929+4175A>C (NM_001374722.1, NM_001374736.1); c.4956+4175A>C (NM_001374734.1); c.4416+4175A>C (NM_001144770.2); c.4296+4175A>C (NM_001374730.1, NM_001386100.1, NM_183380.4 and 1 more transcripts); c.3318+4175A>C (NM_015548.5); short protein forms K1227Q.
Identifiers: ClinVar variation 1941129 (VCV001941129.5), dbSNP rs914360656, ClinGen allele CA364571382.
Genomic context (GRCh38, chr6:56,620,355, plus strand): 5'-AGGTGTTTTCCTCCAACTGATTGCGAAAATTCAGGAGGTTCTCTTCCACGGCAGCTCTTT[T>G]AGCCTCGGCCTCTATGGTGAGCTGCCTCACCCGCTCCAGTTCTCTTTCAGCGGCTTCCTT-3'
Protein context (NP_001714.1, residues 1217-1237): VRQLTIEAEA[Lys1227Gln]RAAVEENLLN